The following is an entry in ClinVar:

NM_005051.3(QARS1):c.1863+14G>A

Gene: QARS1 (glutaminyl-tRNA synthetase 1; minus strand). Cytogenetic location: 3p21.31.
Variant type: single nucleotide variant.
Coding change: c.1863+14G>A on transcript NM_005051.3 (MANE Select); 14 bases into the intron after coding-DNA position 1863, G replaced by A.
Molecular consequence: intron variant.
Genome position (GRCh38, 1-based): chr3:49,098,871, C>T on the plus strand (G>A on the coding strand, the complement: QARS1 is on the minus strand). VCF-style: chr3-49098871-C-T. GRCh37 (hg19) VCF-style: chr3-49136304-C-T.
Other names: c.1830+14G>A (NM_001272073.2).
Identifiers: ClinVar variation 515529 (VCV000515529.3), dbSNP rs1057521351, ClinGen allele CA658796310.

ClinVar aggregate classification (germline): Likely benign. Review status: criteria provided, multiple submitters, no conflicts (2 of 4 stars). 2 submissions from 2 submitters: Likely benign (2). Last evaluated 2024-03-16.

Conditions:
Diffuse cerebral and cerebellar atrophy - intractable seizures - progressive microcephaly syndrome. Also called: Microcephaly, progressive, with seizures and cerebral and cerebellar atrophy. Identifiers: Orphanet 404437, MedGen C4014239, MONDO:0014335, OMIM 615760.

Allele frequency attached by ClinVar (database versions not stated): TOPMed below 0.00001; gnomAD 0.00001.
gnomAD v4.1: 1 of 1,599,128 alleles (0.000063%); highest among the groups gnomAD compares: Non-Finnish European, 0.000086%; no homozygotes.

Submissions (2):

Labcorp Genetics (formerly Invitae), Labcorp
Classification: Likely benign for Diffuse cerebral and cerebellar atrophy - intractable seizures - progressive microcephaly syndrome. Last evaluated: 2024-03-16. Review status: criteria provided, single submitter. Criteria: Invitae Variant Classification Sherloc (09022015). Collection method: clinical testing. Allele origin: germline.

GeneDx
Classification: Likely benign. Last evaluated: 2018-02-19. Review status: criteria provided, single submitter. Criteria: GeneDx Variant Classification (06012015). Collection method: clinical testing. Allele origin: germline. Affected: yes.
Comment: This variant is considered likely benign or benign based on one or more of the following criteria: it is a conservative change, it occurs at a poorly conserved position in the protein, it is predicted to be benign by multiple in silico algorithms, and/or has population frequency not consistent with disease.